The following is an entry in ClinVar:

NM_000719.7(CACNA1C):c.119C>A (p.Pro40His)

Gene: CACNA1C (calcium voltage-gated channel subunit alpha1 C; plus strand). Cytogenetic location: 12p13.33.
Variant type: single nucleotide variant.
Coding change: c.119C>A on transcript NM_000719.7 (MANE Select); coding-DNA position 119, C replaced by A.
Protein change: p.Pro40His; replaces proline 40 with histidine.
Molecular consequence: missense variant.
Genome position (GRCh38, 1-based): chr12:2,115,293, C>A. VCF-style: chr12-2115293-C-A. GRCh37 (hg19) VCF-style: chr12-2224459-C-A.
Other names: c.119C>A, p.Pro40His (NM_001129827.2, NM_001129829.2, NM_001129830.3 and 19 more transcripts); short protein forms P40H.
Identifiers: ClinVar variation 4057121 (VCV004057121.1).

ClinVar aggregate classification (germline): Uncertain significance (1 of 4 stars; one submission).

Submission:

GeneDx
Classification: Uncertain significance. Last evaluated: 2025-01-09. Review status: criteria provided, single submitter. Criteria: GeneDx Variant Classification Process June 2021. Collection method: clinical testing. Allele origin: germline. Affected: yes.
Comment: Not observed at significant frequency in large population cohorts (gnomAD); In silico analysis supports that this missense variant has a deleterious effect on protein structure/function; Has not been previously published as pathogenic or benign to our knowledge